The following is an entry in ClinVar:

ClinVar aggregate classification (germline): Conflicting classifications of pathogenicity. Review status: criteria provided, conflicting classifications (1 of 4 stars). 9 submissions from 9 submitters: Uncertain significance (5); Likely benign (3). 1 of the submissions does not count toward it. Last evaluated 2026-05-18.

Conditions:
Inborn genetic diseases. Identifiers: MedGen C0950123, MeSH D030342.
Ehlers-Danlos syndrome, dermatosparaxis type. Also called: EDS VIIC; Dermatosparaxis; Ehlers-Danlos syndrome, type VII, autosomal recessive. Identifiers: Orphanet 1901, MedGen C2700425, MONDO:0009161, OMIM 225410.

Allele frequency attached by ClinVar (database versions not stated): gnomAD exomes 0.00014 and 0.00027; gnomAD 0.00019 and 0.00021; TOPMed 0.00022; ESP Exome Variant Server 0.00023; ExAC 0.00029.
gnomAD v4.1: 260 of 1,598,496 alleles (0.016%); highest among the groups gnomAD compares: Middle Eastern, 0.18%; 1 homozygote.

Submissions (9):

Women's Health and Genetics/Laboratory Corporation of America, LabCorp
Classification: Uncertain significance. Last evaluated: 2026-05-18. Review status: criteria provided, single submitter. Criteria: LabCorp Variant Classification Summary - May 2015. Collection method: clinical testing. Allele origin: germline.
Comment: Variant summary: ADAMTS2 c.3154T>G (p.Ser1052Ala) results in a conservative amino acid change in the encoded protein sequence. Algorithms developed to predict the effect of missense changes on protein structure and function all suggest that this variant is likely to be tolerated. The variant allele was found at a frequency of 0.00027 in 238412 control chromosomes. This frequency is not significantly higher than estimated for disease-causing variants in ADAMTS2, allowing no conclusion about variant significance. To our knowledge, no occurrence of c.3154T>G in individuals affected with ADAMTS2-related conditions and no experimental evidence demonstrating its impact on protein function have been reported. ClinVar contains an entry for this variant (Variation ID: 682809). Based on the evidence outlined above, the variant was classified as uncertain significance.

Labcorp Genetics (formerly Invitae), Labcorp
Classification: Uncertain significance for Ehlers-Danlos syndrome, dermatosparaxis type. Last evaluated: 2026-01-21. Review status: criteria provided, single submitter. Criteria: Invitae Variant Classification Sherloc (09022015). Collection method: clinical testing. Allele origin: germline.
Comment: This sequence change replaces serine, which is neutral and polar, with alanine, which is neutral and non-polar, at codon 1052 of the ADAMTS2 protein (p.Ser1052Ala). The frequency data for this variant in the population databases is considered unreliable, as metrics indicate poor data quality at this position in the gnomAD database. This variant has not been reported in the literature in individuals affected with ADAMTS2-related conditions. ClinVar contains an entry for this variant (Variation ID: 682809). An algorithm developed to predict the effect of missense changes on protein structure and function outputs the following: PolyPhen-2: "Benign". The alanine amino acid residue is found in multiple mammalian species, which suggests that this missense change does not adversely affect protein function. In summary, the available evidence is currently insufficient to determine the role of this variant in disease. Therefore, it has been classified as a Variant of Uncertain Significance.

Mayo Clinic Laboratories, Mayo Clinic
Classification: Likely benign. Last evaluated: 2025-10-20. Review status: criteria provided, single submitter. Criteria: ACMG Guidelines, 2015. Collection method: clinical testing. Allele origin: germline. Observed: 1 variant allele.
Comment: BS1, BP1, BP4_moderate

Blueprint Genetics
Classification: Likely benign. Last evaluated: 2024-11-01. Review status: criteria provided, single submitter. Criteria: ACMG Guidelines, 2015. Collection method: clinical testing. Allele origin: germline.

Ambry Genetics
Classification: Uncertain significance for Inborn genetic diseases. Last evaluated: 2021-10-12. Review status: criteria provided, single submitter. Criteria: Ambry Variant Classification Scheme 2023. Collection method: clinical testing. Allele origin: germline.

GeneDx
Classification: Likely benign. Last evaluated: 2020-09-02. Review status: criteria provided, single submitter. Criteria: GeneDx Variant Classification Process June 2021. Collection method: clinical testing. Allele origin: germline. Affected: yes.

Baylor Genetics
Classification: Uncertain significance for Ehlers-Danlos syndrome, dermatosparaxis type. Last evaluated: 2019-06-14. Review status: criteria provided, single submitter. Criteria: ACMG Guidelines, 2015. Collection method: clinical testing. Allele origin: unknown. Affected: yes.
Comment: This variant was determined to be of uncertain significance according to ACMG Guidelines, 2015 [PMID:25741868].

Illumina Laboratory Services, Illumina
Classification: Uncertain significance for Ehlers-Danlos syndrome, dermatosparaxis type. Last evaluated: 2018-01-13. Review status: criteria provided, single submitter. Criteria: ICSL Variant Classification Criteria 13 December 2019. Collection method: clinical testing. Allele origin: germline.

Department of Pathology and Laboratory Medicine, Sinai Health System
Classification: Uncertain significance. Review status: no assertion criteria provided. Collection method: clinical testing. Allele origin: unknown. Affected: yes. Study: The Canadian Open Genetics Repository (COGR). Not counted in ClinVar's aggregate classification.
Comment: The ADAMTS2 p.Ser1052Ala variant was not identified in the literature nor was it identified in LOVD 3.0. The variant was identified in dbSNP (ID: rs201390756) and ClinVar (classified as likely benign by GeneDx). The variant was identified in control databases in 69 of 269756 chromosomes at a frequency of 0.0002558 (Genome Aggregation Database March 6, 2019, v2.1.1). The variant was observed in the following populations: Ashkenazi Jewish in 41 of 9962 chromosomes (freq: 0.004116), Other in 3 of 6756 chromosomes (freq: 0.000444), European (non-Finnish) in 21 of 125002 chromosomes (freq: 0.000168), Latino in 3 of 32450 chromosomes (freq: 0.000092) and African in 1 of 24174 chromosomes (freq: 0.000041), but was not observed in the East Asian, European (Finnish), or South Asian populations. The p.Ser1052 residue is not conserved in mammals and computational analyses (PolyPhen-2, SIFT, AlignGVGD, BLOSUM, MutationTaster) do not suggest a high likelihood of impact to the protein; however, this information is not predictive enough to rule out pathogenicity. The variant occurs outside of the splicing consensus sequence and in silico or computational prediction software programs (SpliceSiteFinder, MaxEntScan, NNSPLICE, GeneSplicer) do not predict a difference in splicing. In summary, based on the above information the clinical significance of this variant cannot be determined with certainty at this time. This variant is classified as a variant of uncertain significance.

NM_014244.5(ADAMTS2):c.3154T>G (p.Ser1052Ala)

Gene: ADAMTS2 (ADAM metallopeptidase with thrombospondin type 1 motif 2; minus strand). Cytogenetic location: 5q35.3.
Variant type: single nucleotide variant.
Coding change: c.3154T>G on transcript NM_014244.5 (MANE Select); coding-DNA position 3154, T replaced by G.
Protein change: p.Ser1052Ala; replaces serine 1052 with alanine.
Molecular consequence: missense variant.
Genome position (GRCh38, 1-based): chr5:179,121,685, A>C on the plus strand (T>G on the coding strand, the complement: ADAMTS2 is on the minus strand). VCF-style: chr5-179121685-A-C. GRCh37 (hg19) VCF-style: chr5-178548686-A-C.
Other names: p.Ser1052Ala; short protein forms S1052A.
Identifiers: ClinVar variation 682809 (VCV000682809.16), dbSNP rs201390756, ClinGen allele CA3595288.
Genomic context (GRCh38, chr5:179,121,685, plus strand): 5'-GGAGGGCAGAGGCAGAGTTATAAACGGGTCGGTTACTTGACGAGATCTTCCGGATGGGCG[A>C]GTCGGGGTCCGGGCGGGACAGCCACTGAACTACGTAGCTCTTCTTGGAGGGATCTGAGAT-3'
Protein context (NP_055059.2, residues 1042-1062): VQWLSRPDPD[Ser1052Ala]PIRKISSKGH